The following is an entry in ClinVar:

ClinVar aggregate classification (germline): Likely benign. Review status: criteria provided, multiple submitters, no conflicts (2 of 4 stars). 9 submissions from 9 submitters: Likely benign (6). 3 of the submissions do not count toward it. Last evaluated 2026-01-20.

Conditions:
USH1G-related disorder. Also called: USH1G-related disorders; USH1G-related condition.

Allele frequency attached by ClinVar (database versions not stated): gnomAD 0.00006; TOPMed 0.00006; ESP Exome Variant Server 0.00008; ExAC 0.00012.

Submissions (9):

Labcorp Genetics (formerly Invitae), Labcorp
Classification: Likely benign. Last evaluated: 2026-01-20. Review status: criteria provided, single submitter. Criteria: Invitae Variant Classification Sherloc (09022015). Collection method: clinical testing. Allele origin: germline.

Blueprint Genetics
Classification: Likely benign. Last evaluated: 2024-11-18. Review status: criteria provided, single submitter. Criteria: ACMG Guidelines, 2015. Collection method: clinical testing. Allele origin: germline.

CeGaT Center for Human Genetics Tuebingen
Classification: Likely benign. Last evaluated: 2022-12-01. Review status: criteria provided, single submitter. Criteria: CeGaT Center For Human Genetics Tuebingen Variant Classification Criteria Version 2. Collection method: clinical testing. Allele origin: germline. Affected: yes. Observed: 1 variant allele.
Comment: USH1G: BP4, BP7

GeneDx
Classification: Likely benign. Last evaluated: 2019-05-08. Review status: criteria provided, single submitter. Criteria: GeneDx Variant Classification Process June 2021. Collection method: clinical testing. Allele origin: germline. Affected: yes.

Laboratory for Molecular Medicine, Mass General Brigham Personalized Medicine
Classification: Likely benign. Last evaluated: 2011-09-25. Review status: criteria provided, single submitter. Criteria: LMM Criteria. Collection method: clinical testing. Allele origin: germline. Observed: 2 variant alleles.
Comment: Ala170Ala in exon 2 of USH1G: This variant is not expected to have clinical sign ificance because it does not alter an amino acid residue and is not located near a splice junction.

Breakthrough Genomics
Classification: Likely benign. Review status: criteria provided, single submitter. Criteria: ACMG Guidelines, 2015. Collection method: not provided. Allele origin: germline. Inheritance: Autosomal recessive inheritance. Affected: yes.

PreventionGenetics, part of Exact Sciences
Classification: Likely benign for USH1G-related condition. Last evaluated: 2019-06-25. Review status: no assertion criteria provided. Collection method: clinical testing. Allele origin: germline. Not counted in ClinVar's aggregate classification.
Comment: This variant is classified as likely benign based on ACMG/AMP sequence variant interpretation guidelines (Richards et al. 2015 PMID: 25741868, with internal and published modifications).

Clinical Genetics DNA and cytogenetics Diagnostics Lab, Erasmus MC, Erasmus Medical Center
Classification: Likely benign. Review status: no assertion criteria provided. Collection method: clinical testing. Allele origin: germline. Affected: yes. Study: VKGL Data-share Consensus. Not counted in ClinVar's aggregate classification.

Clinical Genetics, Academic Medical Center
Classification: Benign. Review status: no assertion criteria provided. Collection method: clinical testing. Allele origin: germline. Affected: yes. Study: VKGL Data-share Consensus. Not counted in ClinVar's aggregate classification.

NM_173477.5(USH1G):c.510C>G (p.Ala170=)

Gene: USH1G (USH1 protein network component sans; minus strand). Cytogenetic location: 17q25.1.
Variant type: single nucleotide variant.
Coding change: c.510C>G on transcript NM_173477.5 (MANE Select); coding-DNA position 510, C replaced by G.
Protein change: p.Ala170=; no amino-acid change (alanine 170 retained).
Molecular consequence: synonymous variant.
Genome position (GRCh38, 1-based): chr17:74,920,326, G>C on the plus strand (C>G on the coding strand, the complement: USH1G is on the minus strand). VCF-style: chr17-74920326-G-C. GRCh37 (hg19) VCF-style: chr17-72916421-G-C.
Other names: c.201C>G, p.Ala67= (NM_001282489.3); c.510C>G (NM_173477.4).
Identifiers: ClinVar variation 48133 (VCV000048133.43), dbSNP rs374630813, ClinGen allele CA142658.